The following is an entry in ClinVar:

NM_001165963.4(SCN1A):c.4907G>A (p.Arg1636Gln)

Genes: SCN1A (sodium voltage-gated channel alpha subunit 1; minus strand), SCN1A-AS1 (SCN1A and SCN9A antisense RNA 1; plus strand), LOC102724058 (uncharacterized LOC102724058; plus strand). Cytogenetic location: 2q24.3.
Variant type: single nucleotide variant.
Coding change: c.4907G>A on transcript NM_001165963.4 (MANE Select); coding-DNA position 4907, G replaced by A.
Protein change: p.Arg1636Gln; replaces arginine 1636 with glutamine.
Molecular consequence: missense variant. On other transcripts: non-coding transcript variant (1).
Genome position (GRCh38, 1-based): chr2:165,992,368, C>T on the plus strand (G>A on the coding strand, the complement: SCN1A is on the minus strand). VCF-style: chr2-165992368-C-T. GRCh37 (hg19) VCF-style: chr2-166848878-C-T.
Other names: c.4907G>A, p.Arg1636Gln (NM_001202435.3, NM_001353948.2); c.4874G>A, p.Arg1625Gln (NM_001353949.2, NM_001353950.2, NM_001353951.2 and 2 more transcripts); c.4871G>A, p.Arg1624Gln (NM_001353954.2, NM_001353955.2); c.4823G>A, p.Arg1608Gln (NM_001353957.2, NM_001353958.2, NM_001165964.3); c.4820G>A, p.Arg1607Gln (NM_001353960.2); c.2465G>A, p.Arg822Gln (NM_001353961.2); short protein forms R1625Q, R1636Q, R1607Q, R1624Q, R1608Q, R822Q.
Identifiers: ClinVar variation 68557 (VCV000068557.60), dbSNP rs121917995, ClinGen allele CA145253.

ClinVar aggregate classification (germline): Pathogenic/Likely pathogenic. Review status: criteria provided, multiple submitters, no conflicts (2 of 4 stars). 9 submissions from 9 submitters: Pathogenic (5); Likely pathogenic (2). 2 of the submissions do not count toward it. Last evaluated 2026-01-20.

Conditions:
Early-infantile DEE. Also called: Ohtahara syndrome; Early infantile epileptic encephalopathy with suppression bursts; Early infantile epileptic encephalopathy. Identifiers: Orphanet 1934, MedGen C0393706, MONDO:0800491.
SCN1A-related disorder. Also called: SCN1A-related disorders; SCN1A-related conditions; SCN1A-related condition.
Developmental and epileptic encephalopathy 6B. Also called: Developmental and epileptic encephalopathy 6B, non-Dravet. Identifiers: MedGen C5543353, MONDO:0030268, OMIM 619317.
Inborn genetic diseases. Identifiers: MedGen C0950123, MeSH D030342.
Migraine, familial hemiplegic, 3. Identifiers: Orphanet 569, MedGen C1864987, MONDO:0012320, OMIM 609634.
Severe myoclonic epilepsy in infancy (DRVT). Also called: DEVELOPMENTAL AND EPILEPTIC ENCEPHALOPATHY 6A; Severe Myoclonic Epilepsy in Infancy (SMEI); Epileptic encephalopathy, early infantile, 6 (Dravet syndrome); SEVERE MYOCLONIC EPILEPSY OF INFANCY; Dravet syndrome. Identifiers: Orphanet 33069, MedGen C0751122, MONDO:0100135, OMIM 607208.
Macrocephaly and epileptic encephalopathy. Also called: Encephalopathy of childhood. Identifiers: MedGen C3807541, OMIM 606369.

Submissions (10):

Institute of Medical Genetics and Applied Genomics, University Hospital Tübingen
Classification: Pathogenic for Developmental and epileptic encephalopathy 6B. Last evaluated: 2026-01-20. Review status: criteria provided, single submitter. Criteria: ACMG Guidelines, 2015. Collection method: clinical testing. Allele origin: de novo. Inheritance: Autosomal dominant inheritance. Affected: yes.

Labcorp Genetics (formerly Invitae), Labcorp
Classification: Pathogenic for Early-infantile DEE. Last evaluated: 2025-02-24. Review status: criteria provided, single submitter. Criteria: Invitae Variant Classification Sherloc (09022015). Collection method: clinical testing. Allele origin: germline.
Comment: This sequence change replaces arginine, which is basic and polar, with glutamine, which is neutral and polar, at codon 1636 of the SCN1A protein (p.Arg1636Gln). This variant is not present in population databases (gnomAD no frequency). This missense change has been observed in individual(s) with Lennox-Gastaut syndrome and seizures or early infantile epileptic encephalopathy (PMID: 17347258, 19589774, 26633542; internal data). In at least one individual the variant was observed to be de novo. ClinVar contains an entry for this variant (Variation ID: 68557). Invitae Evidence Modeling of protein sequence and biophysical properties (such as structural, functional, and spatial information, amino acid conservation, physicochemical variation, residue mobility, and thermodynamic stability) indicates that this missense variant is expected to disrupt SCN1A protein function with a positive predictive value of 95%. For these reasons, this variant has been classified as Pathogenic.

Blueprint Genetics
Classification: Pathogenic for SCN1A-related disorders. Last evaluated: 2024-06-24. Review status: criteria provided, single submitter. Criteria: ACMG Guidelines, 2015. Collection method: clinical testing. Allele origin: germline. Affected: yes. Observed: 1 variant allele.

Neuberg Centre For Genomic Medicine, NCGM
Classification: Pathogenic for Severe myoclonic epilepsy in infancy. Last evaluated: 2023-03-01. Review status: criteria provided, single submitter. Criteria: ACMG Guidelines, 2015. Collection method: clinical testing. Allele origin: germline. Inheritance: Autosomal dominant inheritance. Affected: yes.
Comment: The missense chr2:g.166848878C>T variant in SCN1A gene has been reported previously in heterozygous state in individual(s) affected with Early infantile epileptic encephalopathy (Retterer K et al., 2016). This variant is novel (not in any individuals) in gnomAD Exomes and 1000 Genomes. This variant has been reported to the ClinVar database as Likely Pathogenic / Pathogenic (multiple submitters). The amino acid Arg at position 1636 is changed to a Gln changing protein sequence and it might alter its composition and physico-chemical properties. The amino acid change p.Arg1636Gln in SCN1A is predicted as conserved by GERP++ and PhyloP across 100 vertebrates. The variant is predicted as damaging by SIFT. In at least one individual the variant was observed to be de novo. For these reasons, this variant has been classified as Pathogenic.

Ambry Genetics
Classification: Likely pathogenic for Inborn genetic diseases. Last evaluated: 2017-10-23. Review status: criteria provided, single submitter. Criteria: Ambry exome assertion method (8-5-2015). Collection method: clinical testing. Allele origin: germline. Affected: yes. Observed: 1 variant allele.

CeGaT Center for Human Genetics Tuebingen
Classification: Pathogenic. Last evaluated: 2016-08-01. Review status: criteria provided, single submitter. Criteria: CeGaT Center For Human Genetics Tuebingen Variant Classification Criteria Version 2. Collection method: clinical testing. Allele origin: germline. Affected: yes. Observed: 1 variant allele.

Eurofins Ntd Llc (ga)
Classification: Likely pathogenic. Last evaluated: 2015-03-13. Review status: criteria provided, single submitter. Criteria: EGL Classification Definitions 2015. Collection method: clinical testing. Allele origin: germline. Observed: 1 variant allele, 1 heterozygote.

Center of Excellence for Medical Genomics, Chulalongkorn University
Classification: Pathogenic for Migraine, familial hemiplegic, 3. Last evaluated: 2002-09-08. Review status: no assertion criteria provided. Collection method: research. Allele origin: de novo. Affected: yes. Not counted in ClinVar's aggregate classification.

Channelopathy-Associated Epilepsy Research Center
No classification provided (evidence only). Condition: Severe myoclonic epilepsy in infancy. Review status: no classification provided. Collection method: literature only. Allele origin: not applicable. Functional consequence: Normal peak current, Severe hyperpolarizing shift of voltage dependence of activation, Normal slope of activation, Severe hyperpolarizing shift of voltage dependence of fast inactivation, Decrease in slope of fast inactivation, Normal rate of recovery from fast inactivation, Severe slowing of fast inactivation, Severe increase in persistent current, Overall gain-of-function effect with respect to biophysical channel activity. Not counted in ClinVar's aggregate classification.
ClinVar note: "not provided" was previously submitted as the classification for the variant. However, the classification appeared to be based only on an observation of functional data so it was converted to no classification on 2025-07-30.

UniProtKB/Swiss-Prot
No classification provided. Condition: Epileptic encephalopathy Lennox-Gastaut type. Review status: no classification provided. Collection method: not provided. Allele origin: unknown. Not counted in ClinVar's aggregate classification.

Literature cited by the submitters: PubMed 17347258 (cited by 3 submitters); PubMed 19589774 (cited by Labcorp Genetics (formerly Invitae), Labcorp and Eurofins Ntd Llc (ga)); PubMed 26633542 (cited by Labcorp Genetics (formerly Invitae), Labcorp); PubMed 36287100 (cited by Channelopathy-Associated Epilepsy Research Center).